The following is an entry in ClinVar:

NM_000384.3(APOB):c.1470+15T>C

Gene: APOB (apolipoprotein B; minus strand). Cytogenetic location: 2p24.1.
Variant type: single nucleotide variant.
Coding change: c.1470+15T>C on transcript NM_000384.3 (MANE Select); 15 bases into the intron after coding-DNA position 1470, T replaced by C.
Molecular consequence: intron variant.
Genome position (GRCh38, 1-based): chr2:21,029,883, A>G on the plus strand (T>C on the coding strand, the complement: APOB is on the minus strand). VCF-style: chr2-21029883-A-G. GRCh37 (hg19) VCF-style: chr2-21252755-A-G.
Identifiers: ClinVar variation 265881 (VCV000265881.19), dbSNP rs185550846, ClinGen allele CA053684.
Genomic context (GRCh38, chr2:21,029,883, plus strand): 5'-CAGGAGAGGGAAGTAAAAGGTGTCCAGGAAAAGTGCTTCTGAAATGATGTATGTCATATA[A>G]AAGACTGAGATTACCCGCAGAATCAAATAGGTGTAATCTTCATCCCCAGTGCAGTCATCT-3'

ClinVar aggregate classification (germline): Conflicting classifications of pathogenicity. Review status: criteria provided, conflicting classifications (1 of 4 stars). 8 submissions from 8 submitters: Uncertain significance (3); Benign (2); Likely benign (3). Last evaluated 2026-01-28.

Conditions:
Familial hypobetalipoproteinemia 1. Also called: APOB-Related Familial Hypobetalipoproteinemia; Hypobetalipoproteinemia, normotriglyceridemic; Acanthocytosis with hypobetalipoproteinemia. Identifiers: MedGen C4551990, MONDO:0014252, OMIM 615558.
Hypercholesterolemia, autosomal dominant, type B (FHCL2). Also called: Familial Hypercholesterolemia Type B; Familial hypercholesterolemia 2; Hyperlipoproteinemia Type IIb; APOLIPOPROTEIN B-100, FAMILIAL DEFECTIVE; APOLIPOPROTEIN B-100, FAMILIAL LIGAND-DEFECTIVE; APOB-Related Familial Hypercholesterolemia, Autosomal Dominant. Identifiers: MedGen C1704417, MONDO:0007751, OMIM 144010.
Hypercholesterolemia, familial, 1. Also called: LDL RECEPTOR DISORDER; Hyperlipoproteinemia Type IIa; HYPER-LOW-DENSITY-LIPOPROTEINEMIA; HYPERCHOLESTEROLEMIC XANTHOMATOSIS, FAMILIAL; Fredrickson type IIa hyperlipoproteinemia; Hyperlipoproteinemia type 2. Identifiers: Orphanet 391665, MedGen C0745103, MONDO:0007750, OMIM 143890.

Allele frequency attached by ClinVar (database versions not stated): ExAC 0.00064; gnomAD exomes 0.00068; TOPMed 0.00071; gnomAD 0.00076 and 0.00078; ESP Exome Variant Server 0.00161; 1000 Genomes Project 30x 0.00031; 1000 Genomes Project 0.00040.

Submissions (8):

Labcorp Genetics (formerly Invitae), Labcorp
Classification: Benign for Familial hypobetalipoproteinemia 1; Hypercholesterolemia, autosomal dominant, type B. Last evaluated: 2026-01-28. Review status: criteria provided, single submitter. Criteria: Invitae Variant Classification Sherloc (09022015). Collection method: clinical testing. Allele origin: germline.

ARUP Laboratories, Molecular Genetics and Genomics, ARUP Laboratories
Classification: Likely benign. Last evaluated: 2025-07-21. Review status: criteria provided, single submitter. Criteria: ARUP Molecular Germline Variant Investigation Process 2024. Collection method: clinical testing. Allele origin: germline.

Blueprint Genetics
Classification: Likely benign. Last evaluated: 2024-10-24. Review status: criteria provided, single submitter. Criteria: ACMG Guidelines, 2015. Collection method: clinical testing. Allele origin: germline.

Women's Health and Genetics/Laboratory Corporation of America, LabCorp
Classification: Benign. Last evaluated: 2024-03-01. Review status: criteria provided, single submitter. Criteria: LabCorp Variant Classification Summary - May 2015. Collection method: clinical testing. Allele origin: germline.

GeneDx
Classification: Likely benign. Last evaluated: 2018-05-15. Review status: criteria provided, single submitter. Criteria: GeneDx Variant Classification Process June 2021. Collection method: clinical testing. Allele origin: germline. Affected: yes.

Robarts Research Institute, Western University
Classification: Uncertain significance for Hypercholesterolemia, familial, 1. Last evaluated: 2018-01-02. Review status: criteria provided, single submitter. Criteria: ACMG Guidelines, 2015. Collection method: clinical testing. Allele origin: germline. Inheritance: Autosomal dominant inheritance. Affected: yes.

Cardiovascular Research Group, Instituto Nacional de Saude Doutor Ricardo Jorge
Classification: Uncertain significance for Familial hypercholesterolemia. Last evaluated: 2016-03-01. Review status: criteria provided, single submitter. Criteria: ACMG Guidelines, 2015. Collection method: research. Allele origin: germline. Affected: yes.

Iberoamerican FH Network
Classification: Uncertain significance for Familial hypercholesterolemia. Last evaluated: 2016-03-01. Review status: criteria provided, single submitter. Criteria: ACMG Guidelines, 2015. Collection method: research. Allele origin: germline.
Comment: Variant present in the database from Uruguay